The following is an entry in ClinVar:

ClinVar aggregate classification (germline): Uncertain significance (1 of 4 stars; one submission).

Conditions:
Hereditary cancer-predisposing syndrome. Also called: Neoplastic Syndromes, Hereditary; Tumor predisposition; Hereditary Cancer Syndrome; Hereditary neoplastic syndrome. Identifiers: Orphanet 140162, MedGen C0027672, MeSH D009386, MONDO:0015356.

Submission:

Ambry Genetics
Classification: Uncertain significance for Hereditary cancer-predisposing syndrome. Last evaluated: 2026-06-08. Review status: criteria provided, single submitter. Criteria: Ambry Variant Classification Scheme 2023. Collection method: clinical testing. Allele origin: germline.
Comment: The p.D497V variant (also known as c.1490A>T), located in coding exon 11 of the SDHA gene, results from an A to T substitution at nucleotide position 1490. The aspartic acid at codon 497 is replaced by valine, an amino acid with highly dissimilar properties. This amino acid position is conserved. In addition, this alteration is predicted to be deleterious by in silico analysis. Based on the available evidence, the clinical significance of this variant remains unclear.

NM_004168.4(SDHA):c.1490A>T (p.Asp497Val)

Gene: SDHA (succinate dehydrogenase complex flavoprotein subunit A; plus strand). Cytogenetic location: 5p15.33.
Variant type: single nucleotide variant.
Coding change: c.1490A>T on transcript NM_004168.4 (MANE Select); coding-DNA position 1490, A replaced by T.
Protein change: p.Asp497Val; replaces aspartic acid 497 with valine.
Molecular consequence: missense variant.
Genome position (GRCh38, 1-based): chr5:240,415, A>T. VCF-style: chr5-240415-A-T. GRCh37 (hg19) VCF-style: chr5-240530-A-T.
Other names: c.1346A>T, p.Asp449Val (NM_001294332.2); c.1490A>T, p.Asp497Val (NM_001330758.2); short protein forms D449V, D497V.
Identifiers: ClinVar variation 4864233 (VCV004864233.1).